The following is an entry in ClinVar:

NM_004304.5(ALK):c.3553G>T (p.Val1185Leu)

Gene: ALK (ALK receptor tyrosine kinase; minus strand). Cytogenetic location: 2p23.2.
Variant type: single nucleotide variant.
Coding change: c.3553G>T on transcript NM_004304.5 (MANE Select); coding-DNA position 3553, G replaced by T.
Protein change: p.Val1185Leu; replaces valine 1185 with leucine.
Molecular consequence: missense variant.
Genome position (GRCh38, 1-based): chr2:29,220,798, C>A on the plus strand (G>T on the coding strand, the complement: ALK is on the minus strand). VCF-style: chr2-29220798-C-A. GRCh37 (hg19) VCF-style: chr2-29443664-C-A.
Other names: c.349G>T, p.Val117Leu (NM_001353765.2); short protein forms V1185L, V117L.
Identifiers: ClinVar variation 944986 (VCV000944986.13), dbSNP rs749016081, ClinGen allele CA1593864.

ClinVar aggregate classification (germline): Uncertain significance. Review status: criteria provided, multiple submitters, no conflicts (2 of 4 stars). 2 submissions from 2 submitters: Uncertain significance (2). Last evaluated 2025-12-13.

Conditions:
Neuroblastoma, susceptibility to, 3. Also called: ALK-Related Neuroblastic Tumor Susceptibility. Identifiers: Orphanet 635, MedGen C2751681, MONDO:0013083, OMIM 613014.
Hereditary cancer-predisposing syndrome. Also called: Neoplastic Syndromes, Hereditary; Hereditary neoplastic syndrome; Hereditary Cancer Syndrome; Tumor predisposition. Identifiers: Orphanet 140162, MedGen C0027672, MeSH D009386, MONDO:0015356.

Allele frequency attached by ClinVar (database versions not stated): gnomAD exomes below 0.00001 and 0.00001; TOPMed below 0.00001; ExAC 0.00001.
gnomAD v4.1: 3 of 1,614,144 alleles (0.00019%); highest among the groups gnomAD compares: Non-Finnish European, 0.00025%; no homozygotes.

Submissions (2):

Labcorp Genetics (formerly Invitae), Labcorp
Classification: Uncertain significance for Neuroblastoma, susceptibility to, 3. Last evaluated: 2025-12-13. Review status: criteria provided, single submitter. Criteria: Invitae Variant Classification Sherloc (09022015). Collection method: clinical testing. Allele origin: germline.
Comment: This sequence change replaces valine, which is neutral and non-polar, with leucine, which is neutral and non-polar, at codon 1185 of the ALK protein (p.Val1185Leu). This variant is present in population databases (rs749016081, gnomAD 0.002%). This variant has not been reported in the literature in individuals affected with ALK-related conditions. ClinVar contains an entry for this variant (Variation ID: 944986). An algorithm developed to predict the effect of missense changes on protein structure and function (PolyPhen-2) suggests that this variant is likely to be disruptive. In summary, the available evidence is currently insufficient to determine the role of this variant in disease. Therefore, it has been classified as a Variant of Uncertain Significance.

Ambry Genetics
Classification: Uncertain significance for Hereditary cancer-predisposing syndrome. Last evaluated: 2025-03-06. Review status: criteria provided, single submitter. Criteria: Ambry Variant Classification Scheme 2023. Collection method: clinical testing. Allele origin: germline.
Comment: The p.V1185L variant (also known as c.3553G>T), located in coding exon 23 of the ALK gene, results from a G to T substitution at nucleotide position 3553. The valine at codon 1185 is replaced by leucine, an amino acid with highly similar properties. This amino acid position is highly conserved in available vertebrate species. In addition, the in silico prediction for this alteration is inconclusive. Since supporting evidence is limited at this time, the clinical significance of this alteration remains unclear.